The following is an entry in ClinVar:

ClinVar aggregate classification (germline): Likely benign (1 of 4 stars; one submission).

Submission:

Laboratory for Molecular Medicine, Mass General Brigham Personalized Medicine
Classification: Likely benign. Last evaluated: 2011-10-06. Review status: criteria provided, single submitter. Criteria: LMM Criteria. Collection method: clinical testing. Allele origin: germline. Observed: 2 variant alleles.
Comment: 11092-12_11092-11delTT in intron 79 of RYR2: This variant is not expected to hav e clinical significance because it is located outside the conserved +/- 1, 2 reg ion of the splicing consensus sequence and as part of a polyT stretch.

NM_001035.3(RYR2):c.11092-12_11092-11del

Gene: RYR2 (ryanodine receptor 2; plus strand). Cytogenetic location: 1q43.
Variant type: Deletion.
Coding change: c.11092-12_11092-11del on transcript NM_001035.3 (MANE Select); 12 bases into the intron before coding-DNA position 11092 through 11 bases into the intron before coding-DNA position 11092, 2 bases deleted (TT; older notation c.11092-12_11092-11delTT).
Molecular consequence: intron variant.
Genome position (GRCh38, 1-based): chr1:237,742,284-237,742,285, TT deleted; deleting any 2 consecutive bases within chr1:237,742,271-237,742,285 gives the same sequence; the c. name uses the placement nearest the transcript's 3' end. VCF-style (leftmost placement, unchanged base first): chr1-237742270-CTT-C. GRCh37 (hg19) VCF-style: chr1-237905570-CTT-C.
Other names: c.11092-12_11092-11del (LRG_402t1).
Identifiers: ClinVar variation 43704 (VCV000043704.5), dbSNP rs397516499, ClinGen allele CA006871.
Genomic context (GRCh38, chr1:237,742,270, plus strand): 5'-TTGCTCTTCTATGTCTAATGTTCTTTTGCACTTTCTAAAATCTCAACATATTCCTGTCTC[CTT>C]TTTTTTTTTTTTTAAATATACAGAGTTGTCATGATGAGGAAGATGACGATGGTGAAGAGG-3'